The following is an entry in ClinVar:

NM_006506.5(RASA2):c.79G>A (p.Gly27Arg)

Genes: RASA2 (RAS p21 protein activator 2; plus strand), LOC129937686 (ATAC-STARR-seq lymphoblastoid silent region 14777; plus strand). Cytogenetic location: 3q23.
Variant type: single nucleotide variant.
Coding change: c.79G>A on transcript NM_006506.5 (MANE Select); coding-DNA position 79, G replaced by A.
Protein change: p.Gly27Arg; replaces glycine 27 with arginine.
Molecular consequence: missense variant.
Genome position (GRCh38, 1-based): chr3:141,487,162, G>A. VCF-style: chr3-141487162-G-A. GRCh37 (hg19) VCF-style: chr3-141206004-G-A.
Other names: c.79G>A, p.Gly27Arg (NM_001303245.3, NM_001303246.3); short protein forms G27R.
Identifiers: ClinVar variation 3786975 (VCV003786975.1).

ClinVar aggregate classification (germline): Uncertain significance (1 of 4 stars; one submission).

gnomAD v4.1: 3 of 1,469,668 alleles (0.0002%); highest among the groups gnomAD compares: Admixed American, 0.0023%; no homozygotes.

Submission:

Ambry Genetics
Classification: Uncertain significance. Last evaluated: 2025-02-01. Review status: criteria provided, single submitter. Criteria: Ambry Variant Classification Scheme 2023. Collection method: clinical testing. Allele origin: germline.
Comment: The p.G27R variant (also known as c.79G>A), located in coding exon 1 of the RASA2 gene, results from a G to A substitution at nucleotide position 79. The glycine at codon 27 is replaced by arginine, an amino acid with dissimilar properties. This amino acid position is conserved. In addition, the in silico prediction for this alteration is inconclusive. Based on the available evidence, the clinical significance of this variant remains unclear.